The following is an entry in ClinVar:

NM_000371.4(TTR):c.311T>G (p.Ile104Ser)

Gene: TTR (transthyretin; plus strand). Cytogenetic location: 18q12.1.
Variant type: single nucleotide variant.
Coding change: c.311T>G on transcript NM_000371.4 (MANE Select); coding-DNA position 311, T replaced by G.
Protein change: p.Ile104Ser; replaces isoleucine 104 with serine.
Molecular consequence: missense variant.
Genome position (GRCh38, 1-based): chr18:31,595,230, T>G. VCF-style: chr18-31595230-T-G. GRCh37 (hg19) VCF-style: chr18-29175193-T-G.
Other names: I84S; short protein forms I104S.
Identifiers: ClinVar variation 13423 (VCV000013423.19), dbSNP rs121918072, ClinGen allele CA256802.

ClinVar aggregate classification (germline): Pathogenic. Review status: criteria provided, multiple submitters, no conflicts (2 of 4 stars). 4 submissions from 4 submitters: Pathogenic (3). 1 of the submissions does not count toward it. Last evaluated 2024-05-21.

Conditions:
Cardiovascular phenotype. Identifiers: MedGen CN230736.
Amyloidosis, hereditary systemic 1 (AMYLD1). Also called: Transthyretin Amyloidosis; Hereditary Transthyretin Amyloidosis; Isolated Cardiac Amyloidosis; Amyloid Cardiomyopathy, Transthyretin-related; Familial amyloid polyneuropathy; Hereditary oculoleptomeningeal amyloid angiopathy. Identifiers: Orphanet 85447, Orphanet 85451, MedGen C2751492, MONDO:0971004, OMIM 105210.

Submissions (4):

Labcorp Genetics (formerly Invitae), Labcorp
Classification: Pathogenic for Amyloidosis, hereditary systemic 1. Last evaluated: 2024-05-21. Review status: criteria provided, single submitter. Criteria: Invitae Variant Classification Sherloc (09022015). Collection method: clinical testing. Allele origin: germline.
Comment: This sequence change replaces isoleucine, which is neutral and non-polar, with serine, which is neutral and polar, at codon 104 of the TTR protein (p.Ile104Ser). This variant is not present in population databases (gnomAD no frequency). This missense change has been observed in individual(s) with Indiana/Swiss hereditary Amyloidosis (FAP II) (PMID: 2840822, 3760189, 9547003, 23713495, 25997029). It has also been observed to segregate with disease in related individuals. ClinVar contains an entry for this variant (Variation ID: 13423). Advanced modeling of protein sequence and biophysical properties (such as structural, functional, and spatial information, amino acid conservation, physicochemical variation, residue mobility, and thermodynamic stability) performed at Invitae indicates that this missense variant is expected to disrupt TTR protein function with a positive predictive value of 95%. This variant disrupts the p.Ile104 amino acid residue in TTR. Other variant(s) that disrupt this residue have been determined to be pathogenic (PMID: 1350083, 9701270). This suggests that this residue is clinically significant, and that variants that disrupt this residue are likely to be disease-causing. For these reasons, this variant has been classified as Pathogenic.

ARUP Laboratories, Molecular Genetics and Genomics, ARUP Laboratories
Classification: Pathogenic. Last evaluated: 2020-10-09. Review status: criteria provided, single submitter. Criteria: ARUP Molecular Germline Variant Investigation Process 2021. Collection method: clinical testing. Allele origin: germline.
Comment: The TTR c.311T>G; p.Ile104Ser variant (rs121918072), also known as Ile84Ser, is reported in the literature in multiple individuals affected with TTR amyloidosis (Altland 2007. Dwulet 1986, Fontana 2015, Zeldenrust 2012) and co-segregated with disease in at least four individuals in one family (Dwulet 1986). This variant is absent from general population databases (Exome Variant Server, Genome Aggregation Database), indicating it is not a common polymorphism. The isoleucine at codon 104 is moderately conserved, and computational analyses are uncertain whether this variant is neutral or deleterious (REVEL: 0.600). However, functional studies demonstrate instability of the variant tetramer protein (Altland 2007). Further, other amino acid substitutions at this codon (p.Ile104Asn, p.Ile104Thr) have been reported in individuals with TTR amyloidosis and also exhibit altered multimerization (Altland 2007). Based on available information, the p.Ile104Ser variant is considered to be pathogenic. References: Altland K et al. Genetic microheterogeneity of human transthyretin detected by IEF. Electrophoresis. 2007 Jun;28(12):2053-64. Dwulet FE and Benson MD. Characterization of a transthyretin (prealbumin) variant associated with familial amyloidotic polyneuropathy type II (Indiana/Swiss). J Clin Invest. 1986 Oct;78(4):880-6. Fontana M et al. Differential Myocyte Responses in Patients with Cardiac Transthyretin Amyloidosis and Light-Chain Amyloidosis: A Cardiac MR Imaging Study. Radiology. 2015 Nov;277(2):388-97. Zeldenrust SR. Genotype--phenotype correlation in FAP. Amyloid. 2012 Jun;19 Suppl 1:22-4.

Ambry Genetics
Classification: Pathogenic for Cardiovascular phenotype. Last evaluated: 2019-06-02. Review status: criteria provided, single submitter. Criteria: Ambry Variant Classification Scheme 2023. Collection method: clinical testing. Allele origin: germline.
Comment: The p.I104S pathogenic mutation (also known as c.311T>G and I84S), located in coding exon 3 of the TTR gene, results from a T to G substitution at nucleotide position 311. The isoleucine at codon 104 is replaced by serine, an amino acid with dissimilar properties. This mutation has been reported in multiple individuals with familial amyloid polyneuropathy (Dwulet FE et al. J. Clin. Invest., 1986 Oct;78:880-6; Zeldenrust SR. Amyloid, 2012 Jun;19 Suppl 1:22-4; Ihse E et al. Amyloid, 2013 Sep;20:142-50; Fontana M et al. Radiology, 2015 Nov;277:388-97; Wallace MR et al. Am. J. Hum. Genet., 1988 Aug;43:182-7). In a functional study, the authors demonstrated that TTR monomers with this mutation are in an unfolded state 90% of the time in 2.5M urea (Altland K et al. Electrophoresis, 2007 Jun;28:2053-64). In addition, at least one likely pathogenic variant, p.I104T, has been described in the same codon (Stangou et al Transplantation 1998 Jul 27;66(2):229-33). Based on the supporting evidence, this alteration is interpreted as a disease-causing mutation.

OMIM
Classification: Pathogenic for AMYLOIDOSIS, HEREDITARY SYSTEMIC 1. Last evaluated: 2001-02-27. Review status: no assertion criteria provided. Collection method: literature only. Allele origin: germline. Not counted in ClinVar's aggregate classification.

Literature cited by the submitters: PubMed 2840822 (cited by 3 submitters); PubMed 3760189 (cited by 3 submitters); PubMed 9547003 (cited by 3 submitters); PubMed 23713495 (cited by Labcorp Genetics (formerly Invitae), Labcorp and Ambry Genetics); PubMed 25997029 (cited by Labcorp Genetics (formerly Invitae), Labcorp and Ambry Genetics); PubMed 1350083 (cited by Labcorp Genetics (formerly Invitae), Labcorp); PubMed 9701270 (cited by Labcorp Genetics (formerly Invitae), Labcorp); PubMed 15820680 (cited by Ambry Genetics); PubMed 17503405 (cited by Ambry Genetics); PubMed 22494066 (cited by Ambry Genetics); PubMed 22620962 (cited by Ambry Genetics); PubMed 2877582 (cited by OMIM); PubMed 13367520 (cited by OMIM); Benson, M. D. Characterization of an amyloid fibril protein in heredofamilial amyloidosis. (Abstract) Clin. Res. 28: 340A, 1980. (cited by OMIM); PubMed 11261421 (cited by OMIM); PubMed 4884226 (cited by OMIM); Benson, M. D. Personal Communication. 1986. Indianapolis, Ind. (cited by OMIM); Benson, M. D. Personal Communication. 1988. Indianapolis, Ind. (cited by OMIM); Benson, M. D., Dwulet, F. E. Identification of a new amino acid substitution in plasma prealbumin associated with hereditary amyloidosis. (Abstract) Clin. Res. 33: 590a, 1985. (cited by OMIM); PubMed 2510740 (cited by OMIM).